The following is an entry in ClinVar:

ClinVar aggregate classification (germline): Uncertain significance. Review status: criteria provided, multiple submitters, no conflicts (2 of 4 stars). 2 submissions from 2 submitters: Uncertain significance (2). Last evaluated 2024-01-29.

Conditions:
Inborn genetic diseases. Identifiers: MedGen C0950123, MeSH D030342.
Isolated microphthalmia 5. Also called: Posterior Microphthalmia with Retinitis Pigmentosa, Foveoschisis, and Optic Disc Drusen. Identifiers: Orphanet 251279, MedGen C1970236, MONDO:0012605, OMIM 611040.

Allele frequency attached by ClinVar (database versions not stated): TOPMed below 0.00001; ExAC 0.00002; gnomAD exomes 0.00001.
gnomAD v4.1: 9 of 1,614,098 alleles (0.00056%); highest among the groups gnomAD compares: East Asian, 0.016%; no homozygotes.

Submissions (2):

Ambry Genetics
Classification: Uncertain significance for Inborn genetic diseases. Last evaluated: 2024-01-29. Review status: criteria provided, single submitter. Criteria: Ambry Variant Classification Scheme 2023. Collection method: clinical testing. Allele origin: germline.

Labcorp Genetics (formerly Invitae), Labcorp
Classification: Uncertain significance for Isolated microphthalmia 5. Last evaluated: 2022-05-11. Review status: criteria provided, single submitter. Criteria: Invitae Variant Classification Sherloc (09022015). Collection method: clinical testing. Allele origin: germline.
Comment: This sequence change replaces glutamine, which is neutral and polar, with arginine, which is basic and polar, at codon 183 of the MFRP protein (p.Gln183Arg). In summary, the available evidence is currently insufficient to determine the role of this variant in disease. Therefore, it has been classified as a Variant of Uncertain Significance. Algorithms developed to predict the effect of missense changes on protein structure and function are either unavailable or do not agree on the potential impact of this missense change (SIFT: "Deleterious"; PolyPhen-2: "Probably Damaging"; Align-GVGD: "Class C0"). This variant has not been reported in the literature in individuals affected with MFRP-related conditions. This variant is present in population databases (rs772869993, gnomAD 0.03%).

NM_031433.4(MFRP):c.548A>G (p.Gln183Arg)

Genes: C1QTNF5 (C1q and TNF related 5; minus strand), MFRP (membrane frizzled-related protein; minus strand). Cytogenetic location: 11q23.3.
Variant type: single nucleotide variant.
Coding change: c.548A>G on transcript NM_031433.4 (MANE Select); coding-DNA position 548, A replaced by G.
Protein change: p.Gln183Arg; replaces glutamine 183 with arginine.
Molecular consequence: missense variant. On other transcripts: 5 prime UTR variant (1).
Genome position (GRCh38, 1-based): chr11:119,345,513, T>C on the plus strand (A>G on the coding strand, the complement: MFRP is on the minus strand). VCF-style: chr11-119345513-T-C. GRCh37 (hg19) VCF-style: chr11-119216223-T-C.
Other names: c.-2089A>G (NM_015645.5); short protein forms Q183R.
Identifiers: ClinVar variation 1985064 (VCV001985064.4), dbSNP rs772869993, ClinGen allele CA6320512.